The following is an entry in ClinVar:

NM_080680.3(COL11A2):c.3583-1G>A

Gene: COL11A2 (collagen type XI alpha 2 chain; minus strand). Cytogenetic location: 6p21.32.
Variant type: single nucleotide variant.
Coding change: c.3583-1G>A on transcript NM_080680.3 (MANE Select); the canonical splice acceptor site of the intron before coding-DNA position 3583, G replaced by A.
Molecular consequence: splice acceptor variant.
Genome position (GRCh38, 1-based): chr6:33,170,101, C>T on the plus strand (G>A on the coding strand, the complement: COL11A2 is on the minus strand). VCF-style: chr6-33170101-C-T. GRCh37 (hg19) VCF-style: chr6-33137878-C-T.
Other names: c.2557-1G>A (NM_001424111.1, NM_001424110.1); c.3262-1G>A (NM_080679.3); c.3325-1G>A (NM_080681.3); c.3403-1G>A (NM_001424108.1); c.2737-1G>A (NM_001424109.1); c.1537-1G>A (NM_001424112.1).
Identifiers: ClinVar variation 4073623 (VCV004073623.1).

ClinVar aggregate classification (germline): Likely pathogenic (0 of 4 stars; one submission).

Conditions:
Otospondylomegaepiphyseal dysplasia, autosomal recessive (OSMEDB). Also called: CHONDRODYSTROPHY WITH SENSORINEURAL DEAFNESS; Insley-Astley syndrome. Identifiers: Orphanet 1427, MedGen CN034493, MONDO:0044206, OMIM 215150.

Submission:

Department of Pediatrics, Division of Medical Genetics, Faculty of Medicine Ramathibodi Hospital, Mahidol University
Classification: Likely pathogenic for Otospondylomegaepiphyseal dysplasia, autosomal recessive. Last evaluated: 2025-08-06. Review status: no assertion criteria provided. Collection method: research. Allele origin: germline. Inheritance: Autosomal recessive inheritance. Affected: yes. Observed: 1 compound heterozygote.
Comment: This sequence change null variant (canonical -1 splice sites) in a gene where Loss-of-function in the COL11A2 gene (PMID: 10677296). This variant is not present in population databases (gnomAD no frequency). For these reasons, this variant has been classified as Likely-pathogenic.

Literature cited by the submitters: PubMed 10677296.